The following is an entry in ClinVar:

NM_004369.4(COL6A3):c.5921T>C (p.Val1974Ala)

Gene: COL6A3 (collagen type VI alpha 3 chain; minus strand). Cytogenetic location: 2q37.3.
Variant type: single nucleotide variant.
Coding change: c.5921T>C on transcript NM_004369.4 (MANE Select); coding-DNA position 5921, T replaced by C.
Protein change: p.Val1974Ala; replaces valine 1974 with alanine.
Molecular consequence: missense variant.
Genome position (GRCh38, 1-based): chr2:237,363,395, A>G on the plus strand (T>C on the coding strand, the complement: COL6A3 is on the minus strand). VCF-style: chr2-237363395-A-G. GRCh37 (hg19) VCF-style: chr2-238272038-A-G.
Other names: c.4100T>C, p.Val1367Ala (NM_057166.5); c.5303T>C, p.Val1768Ala (NM_057167.4); short protein forms V1768A, V1974A, V1367A.
Identifiers: ClinVar variation 2882373 (VCV002882373.3), dbSNP rs1559231590, ClinGen allele CA351219303.

ClinVar aggregate classification (germline): Uncertain significance (1 of 4 stars; one submission).

Conditions:
Bethlem myopathy 1A. Also called: Bethlem myopathy 1; MYOPATHY, BENIGN CONGENITAL, WITH CONTRACTURES; Bethlem Muscular Dystrophy. Identifiers: Orphanet 610, MedGen CN029274, MONDO:0024530, OMIM 158810.

Allele frequency attached by ClinVar (database versions not stated): gnomAD exomes below 0.00001.
gnomAD v4.1: 1 of 1,614,062 alleles (0.000062%); highest among the groups gnomAD compares: Non-Finnish European, 0.000085%; no homozygotes.

Submission:

Labcorp Genetics (formerly Invitae), Labcorp
Classification: Uncertain significance for Bethlem myopathy 1A. Last evaluated: 2022-11-26. Review status: criteria provided, single submitter. Criteria: Invitae Variant Classification Sherloc (09022015). Collection method: clinical testing. Allele origin: germline.
Comment: This variant has not been reported in the literature in individuals affected with COL6A3-related conditions. Advanced modeling of protein sequence and biophysical properties (such as structural, functional, and spatial information, amino acid conservation, physicochemical variation, residue mobility, and thermodynamic stability) performed at Invitae indicates that this missense variant is expected to disrupt COL6A3 protein function. In summary, the available evidence is currently insufficient to determine the role of this variant in disease. Therefore, it has been classified as a Variant of Uncertain Significance. This sequence change replaces valine, which is neutral and non-polar, with alanine, which is neutral and non-polar, at codon 1974 of the COL6A3 protein (p.Val1974Ala). This variant is not present in population databases (gnomAD no frequency).